The following is an entry in ClinVar:

ClinVar aggregate classification (germline): Uncertain significance (1 of 4 stars; one submission).

Submission:

GeneDx
Classification: Uncertain significance. Last evaluated: 2025-06-06. Review status: criteria provided, single submitter. Criteria: GeneDx Variant Classification Process June 2021. Collection method: clinical testing. Allele origin: germline. Affected: yes.
Comment: In silico analysis suggests that this missense variant does not alter protein structure/function; Has not been previously published as pathogenic or benign to our knowledge

NM_001292063.2(OTOG):c.6247G>A (p.Val2083Met)

Gene: OTOG (otogelin; plus strand). Cytogenetic location: 11p15.1.
Variant type: single nucleotide variant.
Coding change: c.6247G>A on transcript NM_001292063.2 (MANE Select); coding-DNA position 6247, G replaced by A.
Protein change: p.Val2083Met; replaces valine 2083 with methionine.
Molecular consequence: missense variant.
Genome position (GRCh38, 1-based): chr11:17,612,285, G>A. VCF-style: chr11-17612285-G-A. GRCh37 (hg19) VCF-style: chr11-17633832-G-A.
Other names: c.6283G>A, p.Val2095Met (NM_001277269.2); short protein forms V2083M, V2095M.
Identifiers: ClinVar variation 4536364 (VCV004536364.1).